The following is an entry in ClinVar:

NM_024649.5(BBS1):c.1066C>T (p.Arg356Cys)

Genes: BBS1 (Bardet-Biedl syndrome 1; plus strand), ZDHHC24 (zDHHC palmitoyltransferase 24; minus strand). Cytogenetic location: 11q13.2.
Variant type: single nucleotide variant.
Coding change: c.1066C>T on transcript NM_024649.5 (MANE Select); coding-DNA position 1066, C replaced by T.
Protein change: p.Arg356Cys; replaces arginine 356 with cysteine.
Molecular consequence: missense variant. On other transcripts: intron variant (1).
Genome position (GRCh38, 1-based): chr11:66,523,838, C>T. VCF-style: chr11-66523838-C-T. GRCh37 (hg19) VCF-style: chr11-66291309-C-T.
Other names: c.*22-2372G>A (NM_001348571.2); short protein forms R356C.
Identifiers: ClinVar variation 1426465 (VCV001426465.9), dbSNP rs747459381, ClinGen allele CA6123601.

ClinVar aggregate classification (germline): Uncertain significance. Review status: criteria provided, multiple submitters, no conflicts (2 of 4 stars). 4 submissions from 4 submitters: Uncertain significance (3). 1 of the submissions does not count toward it. Last evaluated 2024-07-12.

Conditions:
BBS1-related disorder. Also called: BBS1-related condition.
Bardet-Biedl syndrome 1 (BBS1). Identifiers: MedGen C2936862, MONDO:0008854, OMIM 209900. Disease mechanism: loss of function.
Bardet-Biedl syndrome (BBS). Identifiers: Orphanet 110, MedGen C0752166, MONDO:0015229.

Allele frequency attached by ClinVar (database versions not stated): gnomAD exomes 0.00001 and 0.00002; TOPMed 0.00002; gnomAD 0.00001; ExAC 0.00002.
gnomAD v4.1: 10 of 1,613,526 alleles (0.00062%); highest among the groups gnomAD compares: East Asian, 0.0045%; no homozygotes.

Submissions (4):

Blueprint Genetics
Classification: Uncertain significance. Last evaluated: 2024-07-12. Review status: criteria provided, single submitter. Criteria: ACMG Guidelines, 2015. Collection method: clinical testing. Allele origin: germline.

Fulgent Genetics
Classification: Uncertain significance for Bardet-Biedl syndrome 1. Last evaluated: 2024-05-21. Review status: criteria provided, single submitter. Criteria: ACMG Guidelines, 2015. Collection method: clinical testing. Allele origin: germline.

Labcorp Genetics (formerly Invitae), Labcorp
Classification: Uncertain significance for Bardet-Biedl syndrome. Last evaluated: 2021-08-27. Review status: criteria provided, single submitter. Criteria: Invitae Variant Classification Sherloc (09022015). Collection method: clinical testing. Allele origin: germline.
Comment: This sequence change replaces arginine with cysteine at codon 356 of the BBS1 protein (p.Arg356Cys). The arginine residue is moderately conserved and there is a large physicochemical difference between arginine and cysteine. This variant is present in population databases (rs747459381, ExAC 0.01%). This variant has not been reported in the literature in individuals affected with BBS1-related conditions. Algorithms developed to predict the effect of missense changes on protein structure and function (SIFT, PolyPhen-2, Align-GVGD) all suggest that this variant is likely to be disruptive. In summary, the available evidence is currently insufficient to determine the role of this variant in disease. Therefore, it has been classified as a Variant of Uncertain Significance.

PreventionGenetics, part of Exact Sciences
Classification: Uncertain significance for BBS1-related condition. Last evaluated: 2024-05-03. Review status: no assertion criteria provided. Collection method: clinical testing. Allele origin: germline. Not counted in ClinVar's aggregate classification.
Comment: The BBS1 c.1066C>T variant is predicted to result in the amino acid substitution p.Arg356Cys. To our knowledge, this variant has not been reported in the literature. This variant is reported in 0.0054% of alleles in individuals of East Asian descent in gnomAD. At this time, the clinical significance of this variant is uncertain due to the absence of conclusive functional and genetic evidence.